The following is an entry in ClinVar:

NM_003611.3(OFD1):c.178C>T (p.Arg60Trp)

Gene: OFD1 (OFD1 centriole and centriolar satellite protein; plus strand). Cytogenetic location: Xp22.2.
Variant type: single nucleotide variant.
Coding change: c.178C>T on transcript NM_003611.3 (MANE Select); coding-DNA position 178, C replaced by T.
Protein change: p.Arg60Trp; replaces arginine 60 with tryptophan.
Molecular consequence: missense variant. On other transcripts: 5 prime UTR variant (1).
Genome position (GRCh38, 1-based): chrX:13,736,544, C>T. VCF-style: chrX-13736544-C-T. GRCh37 (hg19) VCF-style: chrX-13754663-C-T.
Other names: c.-368C>T (NM_001330210.2); c.178C>T, p.Arg60Trp (NM_001330209.2); short protein forms R60W.
Identifiers: ClinVar variation 2195328 (VCV002195328.7), dbSNP rs758996532, ClinGen allele CA10351540.

ClinVar aggregate classification (germline): Uncertain significance. Review status: criteria provided, multiple submitters, no conflicts (2 of 4 stars). 3 submissions from 3 submitters: Uncertain significance (3). Last evaluated 2024-11-26.

Conditions:
Joubert syndrome. Also called: Familial aplasia of the vermis; JOUBERT-BOLTSHAUSER SYNDROME. Identifiers: Orphanet 475, MedGen C5979921, MONDO:0018772.
Orofaciodigital syndrome I (OFD1). Also called: Papillon-Leage and Psaume Syndrome; OFDS I; Oral-Facial-Digital Syndrome Type I. Identifiers: Orphanet 2750, MedGen C1510460, MONDO:0010702, OMIM 311200.

Allele frequency attached by ClinVar (database versions not stated): TOPMed 0.00001.
gnomAD v4.1: 6 of 1,210,423 alleles (0.0005%); highest among the groups gnomAD compares: Non-Finnish European, 0.00045%; no homozygotes.

Submissions (3):

Women's Health and Genetics/Laboratory Corporation of America, LabCorp
Classification: Uncertain significance. Last evaluated: 2024-11-26. Review status: criteria provided, single submitter. Criteria: LabCorp Variant Classification Summary - May 2015. Collection method: clinical testing. Allele origin: germline.
Comment: Variant summary: OFD1 c.178C>T (p.Arg60Trp) results in a non-conservative amino acid change located in the Lissencephaly type-1-like homology motif (IPR006594) of the encoded protein sequence. Four of five in-silico tools predict a damaging effect of the variant on protein function. The variant allele was found at a frequency of 1.1e-05 in 183495 control chromosomes. The available data on variant occurrences in the general population are insufficient to allow any conclusion about variant significance. To our knowledge, no occurrence of c.178C>T in individuals affected with Orofaciodigital Syndrome I and no experimental evidence demonstrating its impact on protein function have been reported. ClinVar contains an entry for this variant (Variation ID: 2195328). Based on the evidence outlined above, the variant was classified as uncertain significance.

Blueprint Genetics
Classification: Uncertain significance. Last evaluated: 2023-05-19. Review status: criteria provided, single submitter. Criteria: ACMG Guidelines, 2015. Collection method: clinical testing. Allele origin: germline.

Labcorp Genetics (formerly Invitae), Labcorp
Classification: Uncertain significance for Orofaciodigital syndrome I; Joubert syndrome. Last evaluated: 2022-03-18. Review status: criteria provided, single submitter. Criteria: Invitae Variant Classification Sherloc (09022015). Collection method: clinical testing. Allele origin: germline.
Comment: This variant has not been reported in the literature in individuals affected with OFD1-related conditions. In summary, the available evidence is currently insufficient to determine the role of this variant in disease. Therefore, it has been classified as a Variant of Uncertain Significance. Algorithms developed to predict the effect of missense changes on protein structure and function are either unavailable or do not agree on the potential impact of this missense change (SIFT: "Deleterious"; PolyPhen-2: "Possibly Damaging"; Align-GVGD: "Class C0"). This variant is present in population databases (rs758996532, gnomAD 0.002%). This sequence change replaces arginine, which is basic and polar, with tryptophan, which is neutral and slightly polar, at codon 60 of the OFD1 protein (p.Arg60Trp).